The following is an entry in ClinVar:

NM_001271.4(CHD2):c.5354C>T (p.Ser1785Leu)

Gene: CHD2 (chromodomain helicase DNA binding protein 2; plus strand). Cytogenetic location: 15q26.1.
Variant type: single nucleotide variant.
Coding change: c.5354C>T on transcript NM_001271.4 (MANE Select); coding-DNA position 5354, C replaced by T.
Protein change: p.Ser1785Leu; replaces serine 1785 with leucine.
Molecular consequence: missense variant.
Genome position (GRCh38, 1-based): chr15:93,024,572, C>T. VCF-style: chr15-93024572-C-T. GRCh37 (hg19) VCF-style: chr15-93567802-C-T.
Other names: short protein forms S1785L.
Identifiers: ClinVar variation 655086 (VCV000655086.11), dbSNP rs1265214152, ClinGen allele CA393908608.

ClinVar aggregate classification (germline): Uncertain significance (1 of 4 stars; one submission).

Conditions:
Developmental and epileptic encephalopathy 94 (DEE94). Also called: Epileptic encephalopathy, childhood-onset; CHD2-Related Neurodevelopmental Disorders. Identifiers: Orphanet 1942, Orphanet 2382, MedGen C3809278, MONDO:0014150, OMIM 615369.

Allele frequency attached by ClinVar (database versions not stated): gnomAD exomes below 0.00001; TOPMed 0.00001.
gnomAD v4.1: 6 of 1,614,238 alleles (0.00037%); highest among the groups gnomAD compares: Non-Finnish European, 0.00042%; no homozygotes.

Submission:

Labcorp Genetics (formerly Invitae), Labcorp
Classification: Uncertain significance for Developmental and epileptic encephalopathy 94. Last evaluated: 2025-03-01. Review status: criteria provided, single submitter. Criteria: Invitae Variant Classification Sherloc (09022015). Collection method: clinical testing. Allele origin: germline.
Comment: This sequence change replaces serine, which is neutral and polar, with leucine, which is neutral and non-polar, at codon 1785 of the CHD2 protein (p.Ser1785Leu). This variant is present in population databases (no rsID available, gnomAD 0.0009%). This missense change has been observed in individual(s) with clinical features of CHD2-related conditions (internal data). ClinVar contains an entry for this variant (Variation ID: 655086). Invitae Evidence Modeling of protein sequence and biophysical properties (such as structural, functional, and spatial information, amino acid conservation, physicochemical variation, residue mobility, and thermodynamic stability) indicates that this missense variant is not expected to disrupt CHD2 protein function with a negative predictive value of 95%. In summary, the available evidence is currently insufficient to determine the role of this variant in disease. Therefore, it has been classified as a Variant of Uncertain Significance.